The following is an entry in ClinVar:

ClinVar aggregate classification (germline): Conflicting classifications of pathogenicity. Review status: criteria provided, conflicting classifications (1 of 4 stars). 6 submissions from 6 submitters: Uncertain significance (1); Benign (1); Likely benign (4). Last evaluated 2026-08-01.

Conditions:
Epidermolysis bullosa simplex with nail dystrophy (EBS5D). Identifiers: MedGen C4225309, MONDO:0014661, OMIM 616487.
Epidermolysis bullosa simplex 5C, with pyloric atresia (EBS5C). Also called: PLEC-Related Epidermolysis Bullosa with Pyloric Atresia; PLEC1-Related Epidermolysis Bullosa with Pyloric Atresia; Epidermolysis bullosa simplex with pyloric atresia. Identifiers: Orphanet 158684, MedGen C2677349, MONDO:0012807, OMIM 612138.
Autosomal recessive limb-girdle muscular dystrophy type 2Q (LGMDR17). Also called: MUSCULAR DYSTROPHY, LIMB-GIRDLE, AUTOSOMAL RECESSIVE 17. Identifiers: Orphanet 254361, MedGen C3150989, MONDO:0013390, OMIM 613723.
Epidermolysis bullosa simplex, Ogna type (EBS5A). Also called: Pidermolysis bullosa simplex 5A, Ogna type; EPIDERMOLYSIS BULLOSA SIMPLEX 5A, OGNA TYPE. Identifiers: Orphanet 79401, MedGen C0432317, MONDO:0007555, OMIM 131950.
Epidermolysis bullosa simplex 5B, with muscular dystrophy (EBS5B). Also called: EPIDERMOLYSIS BULLOSA SIMPLEX AND LIMB-GIRDLE MUSCULAR DYSTROPHY; Epidermolysis bullosa simplex with muscular dystrophy. Identifiers: Orphanet 257, MedGen C2931072, MONDO:0009181, OMIM 226670.
Inborn genetic diseases. Identifiers: MedGen C0950123, MeSH D030342.

Allele frequency attached by ClinVar (database versions not stated): ESP Exome Variant Server 0.00089; gnomAD 0.00094 and 0.00096; TOPMed 0.00122; gnomAD exomes 0.00132 and 0.00147; ExAC 0.00160; 1000 Genomes Project 0.00200; 1000 Genomes Project 30x 0.00219.
gnomAD v4.1: 2,022 of 1,577,568 alleles (0.13%); highest among the groups gnomAD compares: East Asian, 0.53%; 2 homozygotes.

Submissions (6):

CeGaT Center for Human Genetics Tuebingen
Classification: Likely benign. Last evaluated: 2026-08-01. Review status: criteria provided, single submitter. Criteria: CeGaT Center For Human Genetics Tuebingen Variant Classification Criteria Version 2. Collection method: clinical testing. Allele origin: germline. Affected: yes. Observed: 3 variant alleles.
Comment: PLEC: BP4

Labcorp Genetics (formerly Invitae), Labcorp
Classification: Benign for Autosomal recessive limb-girdle muscular dystrophy type 2Q; Epidermolysis bullosa simplex, Ogna type; Epidermolysis bullosa simplex with nail dystrophy; Epidermolysis bullosa simplex 5C, with pyloric atresia; Epidermolysis bullosa simplex 5B, with muscular dystrophy. Last evaluated: 2026-01-12. Review status: criteria provided, single submitter. Criteria: Invitae Variant Classification Sherloc (09022015). Collection method: clinical testing. Allele origin: germline.

Blueprint Genetics
Classification: Likely benign. Last evaluated: 2024-11-07. Review status: criteria provided, single submitter. Criteria: ACMG Guidelines, 2015. Collection method: clinical testing. Allele origin: germline.

Ambry Genetics
Classification: Uncertain significance for Inborn genetic diseases. Last evaluated: 2021-08-23. Review status: criteria provided, single submitter. Criteria: Ambry Variant Classification Scheme 2023. Collection method: clinical testing. Allele origin: germline.

GeneDx
Classification: Likely benign. Last evaluated: 2021-04-06. Review status: criteria provided, single submitter. Criteria: GeneDx Variant Classification Process June 2021. Collection method: clinical testing. Allele origin: germline. Affected: yes.

Eurofins Ntd Llc (ga)
Classification: Likely benign. Last evaluated: 2015-07-10. Review status: criteria provided, single submitter. Criteria: EGL Classification Definitions 2015. Collection method: clinical testing. Allele origin: germline.

NM_201384.3(PLEC):c.11611G>A (p.Gly3871Ser)

Gene: PLEC (plectin; minus strand). Cytogenetic location: 8q24.3.
Variant type: single nucleotide variant.
Coding change: c.11611G>A on transcript NM_201384.3 (MANE Select); coding-DNA position 11611, G replaced by A.
Protein change: p.Gly3871Ser; replaces glycine 3871 with serine.
Molecular consequence: missense variant.
Genome position (GRCh38, 1-based): chr8:143,918,210, C>T on the plus strand (G>A on the coding strand, the complement: PLEC is on the minus strand). VCF-style: chr8-143918210-C-T. GRCh37 (hg19) VCF-style: chr8-144992378-C-T.
Other names: c.11692G>A, p.Gly3898Ser (NM_000445.5); c.11569G>A, p.Gly3857Ser (NM_201378.4); c.11545G>A, p.Gly3849Ser (NM_201379.3); c.12022G>A, p.Gly4008Ser (NM_201380.4); c.11515G>A, p.Gly3839Ser (NM_201381.3); c.11611G>A, p.Gly3871Ser (NM_201382.4); c.11623G>A, p.Gly3875Ser (NM_201383.3); short protein forms G3839S, G3857S, G3875S, G4008S, G3871S, G3898S, G3849S.
Identifiers: ClinVar variation 281668 (VCV000281668.46), dbSNP rs201419047, ClinGen allele CA4924292.